The following is an entry in ClinVar:

NM_005359.6(SMAD4):c.183A>C (p.Ile61=)

Gene: SMAD4 (SMAD family member 4; plus strand). Cytogenetic location: 18q21.2.
Variant type: single nucleotide variant.
Coding change: c.183A>C on transcript NM_005359.6 (MANE Select); coding-DNA position 183, A replaced by C.
Protein change: p.Ile61=; no amino-acid change (isoleucine 61 retained).
Molecular consequence: synonymous variant.
Genome position (GRCh38, 1-based): chr18:51,047,229, A>C. VCF-style: chr18-51047229-A-C. GRCh37 (hg19) VCF-style: chr18-48573599-A-C.
Identifiers: ClinVar variation 240148 (VCV000240148.20), dbSNP rs761937143, ClinGen allele CA8965734.
Genomic context (GRCh38, chr18:51,047,229, plus strand): 5'-AAGTTTGGTAAAGAAGCTGAAGGAGAAAAAAGATGAATTGGATTCTTTAATAACAGCTAT[A>C]ACTACAAATGGAGCTCATCCTAGTAAATGTGTTACCATACAGAGAACATTGGATGGGAGG-3'
Protein context (NP_005350.1, residues 51-71): KDELDSLITA[Ile61=]TTNGAHPSKC

ClinVar aggregate classification (germline): Benign/Likely benign. Review status: criteria provided, multiple submitters, no conflicts (2 of 4 stars). 5 submissions from 5 submitters: Benign (1); Likely benign (4). Last evaluated 2025-03-18.

Conditions:
Familial thoracic aortic aneurysm and aortic dissection (TAAD). Also called: Thoracic aortic aneurysms and dissections. Identifiers: Orphanet 91387, MedGen C4707243, MONDO:0019625.
Hereditary cancer-predisposing syndrome. Also called: Tumor predisposition; Neoplastic Syndromes, Hereditary; Hereditary neoplastic syndrome; Hereditary Cancer Syndrome. Identifiers: Orphanet 140162, MedGen C0027672, MeSH D009386, MONDO:0015356.
Juvenile polyposis syndrome (JPS). Identifiers: Orphanet 2929, MedGen C0345893, MONDO:0017380, OMIM 174900.
Juvenile polyposis/hereditary hemorrhagic telangiectasia syndrome (JPHT). Also called: Juvenile Polyposis Syndrome / Hereditary Hemorrhagic Telangiectasia (JPS/HHT); JP/HHT SYNDROME; JUVENILE POLYPOSIS WITH HEREDITARY HEMORRHAGIC TELANGIECTASIA; POLYPOSIS, GENERALIZED JUVENILE, WITH PULMONARY ARTERIOVENOUS MALFORMATION; TELANGIECTASIA, HEREDITARY HEMORRHAGIC, WITH JUVENILE POLYPOSIS COLI. Identifiers: Orphanet 2929, MedGen C1832942, MONDO:0008278, OMIM 175050.

Allele frequency attached by ClinVar (database versions not stated): gnomAD exomes 0.00001; ExAC 0.00002.
gnomAD v4.1: 7 of 1,613,642 alleles (0.00043%); highest among the groups gnomAD compares: Middle Eastern, 0.033%; no homozygotes.

Submissions (5):

Myriad Genetics, Inc.
Classification: Benign for Juvenile polyposis/hereditary hemorrhagic telangiectasia syndrome. Last evaluated: 2025-03-18. Review status: criteria provided, single submitter. Criteria: Myriad Autosomal Dominant, Autosomal Recessive and X-Linked Classification Criteria (2023). Collection method: clinical testing. Allele origin: unknown.
Comment: This variant is considered benign. This variant is a silent/synonymous amino acid change and it is not expected to impact splicing.

Labcorp Genetics (formerly Invitae), Labcorp
Classification: Likely benign for Juvenile polyposis syndrome. Last evaluated: 2024-09-15. Review status: criteria provided, single submitter. Criteria: Invitae Variant Classification Sherloc (09022015). Collection method: clinical testing. Allele origin: germline.

Sema4
Classification: Likely benign for Hereditary cancer-predisposing syndrome. Last evaluated: 2021-09-09. Review status: criteria provided, single submitter. Criteria: Sema4 Curation Guidelines. Collection method: curation. Allele origin: germline.

Ambry Genetics
Classification: Likely benign for Hereditary cancer-predisposing syndrome; Familial thoracic aortic aneurysm and aortic dissection. Last evaluated: 2019-12-04. Review status: criteria provided, single submitter. Criteria: Ambry Variant Classification Scheme 2023. Collection method: clinical testing. Allele origin: germline.

Color Diagnostics, LLC DBA Color Health
Classification: Likely benign for Hereditary cancer-predisposing syndrome. Last evaluated: 2018-05-30. Review status: criteria provided, single submitter. Criteria: ACMG Guidelines, 2015. Collection method: clinical testing. Allele origin: germline.